The following is an entry in ClinVar:

ClinVar aggregate classification (germline): Uncertain significance (1 of 4 stars; one submission).

Submission:

Labcorp Genetics (formerly Invitae), Labcorp
Classification: Uncertain significance. Last evaluated: 2025-03-07. Review status: criteria provided, single submitter. Criteria: Invitae Variant Classification Sherloc (09022015). Collection method: clinical testing. Allele origin: germline.
Comment: This sequence change creates a premature translational stop signal (p.Asp263Leufs*23) in the TRMT10A gene. While this is not anticipated to result in nonsense mediated decay, it is expected to disrupt the last 77 amino acid(s) of the TRMT10A protein. This variant is present in population databases (rs775943585, gnomAD 0.008%). This variant has not been reported in the literature in individuals affected with TRMT10A-related conditions. Experimental studies and prediction algorithms are not available or were not evaluated, and the functional significance of this variant is currently unknown. In summary, the available evidence is currently insufficient to determine the role of this variant in disease. Therefore, it has been classified as a Variant of Uncertain Significance.

NM_001134665.3(TRMT10A):c.783_784del (p.Asp263fs)

Gene: TRMT10A (tRNA methyltransferase 10A; minus strand). Cytogenetic location: 4q23.
Variant type: Deletion.
Coding change: c.783_784del on transcript NM_001134665.3 (MANE Select); coding-DNA positions 783 to 784, 2 bases deleted (AA; older notation c.783_784delAA).
Protein change: p.Asp263fs; shifts the reading frame from aspartic acid 263.
Molecular consequence: frameshift variant.
Genome position (GRCh38, 1-based): chr4:99,549,324-99,549,325, TT deleted on the plus strand (AA on the coding strand, the reverse complement: TRMT10A is on the minus strand). VCF-style (leftmost placement, unchanged base first): chr4-99549323-CTT-C. GRCh37 (hg19) VCF-style: chr4-100470480-CTT-C.
Other names: c.783_784del, p.Asp263fs (NM_001134666.3, NM_001375880.1, NM_001375881.1 and 1 more transcripts); c.762_763del, p.Asp256fs (NM_001375882.1); short protein forms D256fs, D263fs.
Identifiers: ClinVar variation 4774800 (VCV004774800.1).